The following is an entry in ClinVar:

ClinVar aggregate classification (germline): Uncertain significance (1 of 4 stars; one submission).

Conditions:
Microcephaly 26, primary, autosomal dominant. Identifiers: MedGen C5543048, MONDO:0030928, OMIM 619179.

Submission:

Neuberg Centre For Genomic Medicine, NCGM
Classification: Uncertain significance for Microcephaly 26, primary, autosomal dominant. Review status: criteria provided, single submitter. Criteria: ACMG Guidelines, 2015. Collection method: clinical testing. Allele origin: germline. Affected: yes.
Comment: The missense variant p.L380F in LMNB1 (NM_005573.4) has not been reported previously as a pathogenic variant nor as a benign variant, to our knowledge. The p.L380F variant is novel (not in any individuals) in gnomAD Exomes and is novel (not in any individuals) in 1000 Genomes. In silico tools are damaging by predictions while the residue is semi-conserved across species. For these reasons, this variant has been classified as Uncertain Significance

NM_005573.4(LMNB1):c.1138C>T (p.Leu380Phe)

Gene: LMNB1 (lamin B1; plus strand). Cytogenetic location: 5q23.2.
Variant type: single nucleotide variant.
Coding change: c.1138C>T on transcript NM_005573.4 (MANE Select); coding-DNA position 1138, C replaced by T.
Protein change: p.Leu380Phe; replaces leucine 380 with phenylalanine.
Molecular consequence: missense variant. On other transcripts: non-coding transcript variant (1).
Genome position (GRCh38, 1-based): chr5:126,819,120, C>T. VCF-style: chr5-126819120-C-T. GRCh37 (hg19) VCF-style: chr5-126154812-C-T.
Other names: c.508C>T, p.Leu170Phe (NM_001198557.2); short protein forms L170F, L380F.
Identifiers: ClinVar variation 1339183 (VCV001339183.2), dbSNP rs2126727097, ClinGen allele CA360726413.